The following is an entry in ClinVar:

ClinVar aggregate classification (germline): Uncertain significance (1 of 4 stars; one submission).

Conditions:
Inborn genetic diseases. Identifiers: MedGen C0950123, MeSH D030342.

Submission:

Ambry Genetics
Classification: Uncertain significance for Inborn genetic diseases. Last evaluated: 2025-02-06. Review status: criteria provided, single submitter. Criteria: Ambry Variant Classification Scheme 2023. Collection method: clinical testing. Allele origin: germline.
Comment: The p.F1454L variant (also known as c.4360T>C), located in coding exon 13 of the ASXL1 gene, results from a T to C substitution at nucleotide position 4360. The phenylalanine at codon 1454 is replaced by leucine, an amino acid with highly similar properties. This amino acid position is conserved. In addition, this alteration is predicted to be tolerated by in silico analysis. Based on the available evidence, the clinical significance of this variant remains unclear.

NM_015338.6(ASXL1):c.4360T>C (p.Phe1454Leu)

Gene: ASXL1 (ASXL transcriptional regulator 1; plus strand). Cytogenetic location: 20q11.21.
Variant type: single nucleotide variant.
Coding change: c.4360T>C on transcript NM_015338.6 (MANE Select); coding-DNA position 4360, T replaced by C.
Protein change: p.Phe1454Leu; replaces phenylalanine 1454 with leucine.
Molecular consequence: missense variant.
Genome position (GRCh38, 1-based): chr20:32,437,072, T>C. VCF-style: chr20-32437072-T-C. GRCh37 (hg19) VCF-style: chr20-31024875-T-C.
Other names: c.4177T>C, p.Phe1393Leu (NM_001363734.1); short protein forms F1454L, F1393L.
Identifiers: ClinVar variation 3793259 (VCV003793259.1).